The following is an entry in ClinVar:

ClinVar aggregate classification (germline): Uncertain significance. Review status: criteria provided, multiple submitters, no conflicts (2 of 4 stars). 2 submissions from 2 submitters: Uncertain significance (2). Last evaluated 2025-08-22.

Conditions:
Cardiomyopathy (CMYO). Also called: Cardiomyopathies. Identifiers: Orphanet 167848, MedGen C0878544, MONDO:0004994, HP:0001638. Inheritance: Various modes of inheritance.
Arrhythmogenic right ventricular dysplasia 10. Also called: Arrhythmogenic Right Ventricular Dysplasia/Cardiomyopathy10; ARRHYTHMOGENIC RIGHT VENTRICULAR DYSPLASIA, FAMILIAL, 10; Arrhythmogenic right ventricular dysplasia/cardiomyopathy, type 10. Identifiers: MedGen C1857777, MONDO:0012434, OMIM 610193.

Allele frequency attached by ClinVar (database versions not stated): gnomAD exomes below 0.00001.

Submissions (2):

Color Diagnostics, LLC DBA Color Health
Classification: Uncertain significance for Cardiomyopathy. Last evaluated: 2025-08-22. Review status: criteria provided, single submitter. Criteria: ACMG Guidelines, 2015. Collection method: clinical testing. Allele origin: germline.
Comment: This missense variant replaces arginine with serine at codon 854 of the DSG2 protein. Computational prediction suggests that this variant may not impact protein structure and function. To our knowledge, functional studies have not been reported for this variant. This variant has not been reported in individuals affected with DSG2-related disorders in the literature. This variant has been identified in 1/248380 chromosomes in the general population by the Genome Aggregation Database (gnomAD). The available evidence is insufficient to determine the role of this variant in disease conclusively. Therefore, this variant is classified as a Variant of Uncertain Significance.

Labcorp Genetics (formerly Invitae), Labcorp
Classification: Uncertain significance for Arrhythmogenic right ventricular dysplasia 10. Last evaluated: 2021-08-30. Review status: criteria provided, single submitter. Criteria: Invitae Variant Classification Sherloc (09022015). Collection method: clinical testing. Allele origin: germline.
Comment: This sequence change replaces arginine with serine at codon 854 of the DSG2 protein (p.Arg854Ser). The arginine residue is moderately conserved and there is a moderate physicochemical difference between arginine and serine. This variant is not present in population databases (ExAC no frequency). This variant has not been reported in the literature in individuals affected with DSG2-related conditions. Algorithms developed to predict the effect of missense changes on protein structure and function (SIFT, PolyPhen-2, Align-GVGD) all suggest that this variant is likely to be tolerated. In summary, the available evidence is currently insufficient to determine the role of this variant in disease. Therefore, it has been classified as a Variant of Uncertain Significance.

NM_001943.5(DSG2):c.2562A>T (p.Arg854Ser)

Genes: DSG2-AS1 (DSG2 antisense RNA 1; minus strand), DSG2 (desmoglein 2; plus strand). Cytogenetic location: 18q12.1.
Variant type: single nucleotide variant.
Coding change: c.2562A>T on transcript NM_001943.5 (MANE Select); coding-DNA position 2562, A replaced by T.
Protein change: p.Arg854Ser; replaces arginine 854 with serine.
Molecular consequence: missense variant.
Genome position (GRCh38, 1-based): chr18:31,545,948, A>T. VCF-style: chr18-31545948-A-T. GRCh37 (hg19) VCF-style: chr18-29125911-A-T.
Other names: short protein forms R854S.
Identifiers: ClinVar variation 1393842 (VCV001393842.6), dbSNP rs1482979438, ClinGen allele CA402145141.
Genomic context (GRCh38, chr18:31,545,948, plus strand): 5'-GACACTAGCTGAAGTTTGCCTGGGTCAAAAAATAGATATAAATAAGGAAATTGAGCAGAG[A>T]CAAAAACCTGCCACAGAAACAAGTATGAACACAGCTTCACATTCACTCTGTGAGCAAACT-3'
Protein context (NP_001934.2, residues 844-864): KIDINKEIEQ[Arg854Ser]QKPATETSMN